The following is an entry in ClinVar:

ClinVar aggregate classification (germline): Uncertain significance (1 of 4 stars; one submission).

Conditions:
Kabuki syndrome 2 (KABUK2). Also called: KDM6A-Related Kabuki Syndrome. Identifiers: Orphanet 2322, MedGen C3275495, MONDO:0010465, OMIM 300867.

Submission:

Baylor Genetics
Classification: Uncertain significance for Kabuki syndrome 2. Last evaluated: 2017-09-01. Review status: criteria provided, single submitter. Criteria: ACMG Guidelines, 2015. Collection method: clinical testing. Allele origin: de novo. Inheritance: X-linked inheritance. Affected: yes.

Literature cited by the submitters: PubMed 25326635.

NM_001291415.2(KDM6A):c.563A>G (p.Lys188Arg)

Gene: KDM6A (lysine demethylase 6A; plus strand). Cytogenetic location: Xp11.3.
Variant type: single nucleotide variant.
Coding change: c.563A>G on transcript NM_001291415.2 (MANE Select); coding-DNA position 563, A replaced by G.
Protein change: p.Lys188Arg; replaces lysine 188 with arginine.
Molecular consequence: missense variant. On other transcripts: non-coding transcript variant (1), intron variant (1).
Genome position (GRCh38, 1-based): chrX:45,020,729, A>G. VCF-style: chrX-45020729-A-G. GRCh37 (hg19) VCF-style: chrX-44879974-A-G.
Other names: c.563A>G, p.Lys188Arg (NM_001291416.2, NM_001291417.2, NM_001291418.2 and 1 more transcripts); c.-190+9710A>G (NM_001291421.2); short protein forms K188R.
Identifiers: ClinVar variation 561041 (VCV000561041.2), dbSNP rs1569521751, ClinGen allele CA413023002.